The following is an entry in ClinVar:

NM_001042472.3(ABHD12):c.870A>G (p.Ile290Met)

Gene: ABHD12 (abhydrolase domain containing 12, lysophospholipase; minus strand). Cytogenetic location: 20p11.21.
Variant type: single nucleotide variant.
Coding change: c.870A>G on transcript NM_001042472.3 (MANE Select); coding-DNA position 870, A replaced by G.
Protein change: p.Ile290Met; replaces isoleucine 290 with methionine.
Molecular consequence: missense variant.
Genome position (GRCh38, 1-based): chr20:25,306,913, T>C on the plus strand (A>G on the coding strand, the complement: ABHD12 is on the minus strand). VCF-style: chr20-25306913-T-C. GRCh37 (hg19) VCF-style: chr20-25287549-T-C.
Other names: c.870A>G, p.Ile290Met (NM_015600.5); short protein forms I290M.
Identifiers: ClinVar variation 941152 (VCV000941152.9), dbSNP rs978083069, ClinGen allele CA313718809.
Genomic context (GRCh38, chr20:25,306,913, plus strand): 5'-AATTCCACTACTTGTAATAGGATCAAGGAAGAACCAGTCAAACCCAGGGAAGTATCGATA[T>C]ATCTGGAGACAAGATGGAAACCATTTTCAGAAGCGTTGGTTAAGATATCCAGGCACAGGT-3'
Protein context (NP_001035937.1, residues 280-300): EEAKSHPFSV[Ile290Met]YRYFPGFDWF

ClinVar aggregate classification (germline): Uncertain significance. Review status: criteria provided, multiple submitters, no conflicts (2 of 4 stars). 4 submissions from 4 submitters: Uncertain significance (4). Last evaluated 2025-10-21.

Conditions:
Inborn genetic diseases. Identifiers: MedGen C0950123, MeSH D030342.

Allele frequency attached by ClinVar (database versions not stated): gnomAD 0.00003 and 0.00002; TOPMed 0.00008.
gnomAD v4.1: 24 of 1,605,714 alleles (0.0015%); highest among the groups gnomAD compares: Middle Eastern, 0.033%; no homozygotes.

Submissions (4):

Labcorp Genetics (formerly Invitae), Labcorp
Classification: Uncertain significance. Last evaluated: 2025-10-21. Review status: criteria provided, single submitter. Criteria: Invitae Variant Classification Sherloc (09022015). Collection method: clinical testing. Allele origin: germline.
Comment: This sequence change replaces isoleucine, which is neutral and non-polar, with methionine, which is neutral and non-polar, at codon 290 of the ABHD12 protein (p.Ile290Met). This variant is present in population databases (no rsID available, gnomAD 0.01%). This variant has not been reported in the literature in individuals affected with ABHD12-related conditions. ClinVar contains an entry for this variant (Variation ID: 941152). An algorithm developed to predict the effect of missense changes on protein structure and function (PolyPhen-2) suggests that this variant is likely to be disruptive. In summary, the available evidence is currently insufficient to determine the role of this variant in disease. Therefore, it has been classified as a Variant of Uncertain Significance.

Ambry Genetics
Classification: Uncertain significance for Inborn genetic diseases. Last evaluated: 2024-12-31. Review status: criteria provided, single submitter. Criteria: Ambry Variant Classification Scheme 2023. Collection method: clinical testing. Allele origin: germline.

Blueprint Genetics
Classification: Uncertain significance. Last evaluated: 2019-09-30. Review status: criteria provided, single submitter. Criteria: ACMG Guidelines, 2015. Collection method: clinical testing. Allele origin: germline.

Breakthrough Genomics
Classification: Uncertain significance. Review status: criteria provided, single submitter. Criteria: ACMG Guidelines, 2015. Collection method: not provided. Allele origin: germline. Inheritance: Autosomal dominant inheritance. Affected: yes.